The following is an entry in ClinVar:

ClinVar aggregate classification (germline): Benign. Review status: criteria provided, multiple submitters, no conflicts (2 of 4 stars). 2 submissions from 2 submitters: Benign (2). Last evaluated 2025-01-02.

Conditions:
INPP5K-related disorder. Also called: INPP5K-related condition.

gnomAD v4.1: 103,252 of 1,612,952 alleles (6.4%); highest among the groups gnomAD compares: Non-Finnish European, 7.5%; 3,742 homozygotes.

Submissions (2):

PreventionGenetics, part of Exact Sciences
Classification: Benign for INPP5K-related condition. Last evaluated: 2025-01-02. Review status: criteria provided, single submitter. Criteria: ACMG Guidelines, 2015. Collection method: clinical testing. Allele origin: germline.
Comment: This variant is classified as benign based on ACMG/AMP sequence variant interpretation guidelines (Richards et al. 2015 PMID: 25741868, with internal and published modifications).

Mayo Clinic Laboratories, Mayo Clinic
Classification: Benign. Last evaluated: 2022-03-23. Review status: criteria provided, single submitter. Criteria: ACMG Guidelines, 2015. Collection method: clinical testing. Allele origin: germline. Observed: 51 variant alleles.

NM_016532.4(INPP5K):c.87T>G (p.Pro29=)

Gene: INPP5K (inositol polyphosphate-5-phosphatase K; minus strand). Cytogenetic location: 17p13.3.
Variant type: single nucleotide variant.
Coding change: c.87T>G on transcript NM_016532.4 (MANE Select); coding-DNA position 87, T replaced by G.
Protein change: p.Pro29=; no amino-acid change (proline 29 retained).
Molecular consequence: synonymous variant. On other transcripts: 5 prime UTR variant (2).
Genome position (GRCh38, 1-based): chr17:1,513,937, A>C on the plus strand (T>G on the coding strand, the complement: INPP5K is on the minus strand). VCF-style: chr17-1513937-A-C. GRCh37 (hg19) VCF-style: chr17-1417231-A-C.
Other names: p.Pro29=; c.87T>G (NM_016532.3); c.-142T>G (NM_001135642.2, NM_130766.3).
Identifiers: ClinVar variation 4684168 (VCV004684168.2).